The following is an entry in ClinVar:

ClinVar aggregate classification (germline): Uncertain significance (1 of 4 stars; one submission).

gnomAD v4.1: 2 of 1,613,910 alleles (0.00012%); highest among the groups gnomAD compares: African/African-American, 0.0027%; no homozygotes.

Submission:

Ambry Genetics
Classification: Uncertain significance. Last evaluated: 2025-01-11. Review status: criteria provided, single submitter. Criteria: Ambry Variant Classification Scheme 2023. Collection method: clinical testing. Allele origin: germline.
Comment: The p.H266D variant (also known as c.796C>G), located in coding exon 1 of the TET2 gene, results from a C to G substitution at nucleotide position 796. The histidine at codon 266 is replaced by aspartic acid, an amino acid with similar properties. This amino acid position is conserved. In addition, this alteration is predicted to be tolerated by in silico analysis. Based on the available evidence, the clinical significance of this variant remains unclear.

NM_001127208.3(TET2):c.796C>G (p.His266Asp)

Genes: TET2 (tet methylcytosine dioxygenase 2; plus strand), TET2-AS1 (TET2 antisense RNA 1; minus strand). Cytogenetic location: 4q24.
Variant type: single nucleotide variant.
Coding change: c.796C>G on transcript NM_001127208.3 (MANE Select); coding-DNA position 796, C replaced by G.
Protein change: p.His266Asp; replaces histidine 266 with aspartic acid.
Molecular consequence: missense variant.
Genome position (GRCh38, 1-based): chr4:105,234,738, C>G. VCF-style: chr4-105234738-C-G. GRCh37 (hg19) VCF-style: chr4-106155895-C-G.
Other names: c.796C>G, p.His266Asp (NM_017628.4); short protein forms H266D.
Identifiers: ClinVar variation 3805951 (VCV003805951.1).
Genomic context (GRCh38, chr4:105,234,738, plus strand): 5'-ACATCTCACATAAATGCCATTAACAGTCAGGCTACTAATGAGTTGTCCTGTGAGATCACT[C>G]ACCCATCGCATACCTCAGGGCAGATCAATTCCGCACAGACCTCTAACTCTGAGCTGCCTC-3'
Protein context (NP_001120680.1, residues 256-276): ATNELSCEIT[His266Asp]PSHTSGQINS